The following is an entry in ClinVar:

NM_001204.7(BMPR2):c.-704C>G

Gene: BMPR2 (bone morphogenetic protein receptor type 2; plus strand). Cytogenetic location: 2q33.1.
Variant type: single nucleotide variant.
Coding change: c.-704C>G on transcript NM_001204.7 (MANE Select); 704 bases upstream of the start codon, C replaced by G.
Molecular consequence: 5 prime UTR variant.
Genome position (GRCh38, 1-based): chr2:202,376,771, C>G. VCF-style: chr2-202376771-C-G. GRCh37 (hg19) VCF-style: chr2-203241494-C-G.
Other names: c.-704C>G (LRG_712t1).
Identifiers: ClinVar variation 333627 (VCV000333627.5), dbSNP rs114110688, ClinGen allele CA10613559.

ClinVar aggregate classification (germline): Benign (1 of 4 stars; one submission).

Conditions:
Pulmonary hypertension, primary, 1 (PPH1). Also called: Pulmonary hypertension, familial primary, 1, with or without HHT. Identifiers: Orphanet 422, MedGen C4552070, MONDO:0024533, OMIM 178600.

Allele frequency attached by ClinVar (database versions not stated): 1000 Genomes Project 0.00759; gnomAD 0.00532 and 0.00510; 1000 Genomes Project 30x 0.00656; TOPMed 0.00552.
gnomAD v4.1: 761 of 151,274 alleles (0.5%); highest among the groups gnomAD compares: African/African-American, 1.8%; 11 homozygotes.

Submission:

Illumina Laboratory Services, Illumina
Classification: Benign for Pulmonary hypertension, primary, 1. Last evaluated: 2018-01-13. Review status: criteria provided, single submitter. Criteria: ICSL Variant Classification Criteria 13 December 2019. Collection method: clinical testing. Allele origin: germline.
Comment: This variant was observed in the ICSL laboratory as part of a predisposition screen in an ostensibly healthy population. It had not been previously curated by ICSL or reported in the Human Gene Mutation Database (HGMD: prior to June 1st, 2018), and was therefore a candidate for classification through an automated scoring system. Utilizing variant allele frequency, disease prevalence and penetrance estimates, and inheritance mode, an automated score was calculated to assess if this variant is too frequent to cause the disease. Based on the score and internal cut-off values, a variant classified as benign is not then subjected to further curation. The score for this variant resulted in a classification of benign for this disease.